The following is an entry in ClinVar:

NM_018230.3(NUP133):c.2366C>G (p.Ala789Gly)

Gene: NUP133 (nucleoporin 133; minus strand). Cytogenetic location: 1q42.13.
Variant type: single nucleotide variant.
Coding change: c.2366C>G on transcript NM_018230.3 (MANE Select); coding-DNA position 2366, C replaced by G.
Protein change: p.Ala789Gly; replaces alanine 789 with glycine.
Molecular consequence: missense variant.
Genome position (GRCh38, 1-based): chr1:229,464,809, G>C on the plus strand (C>G on the coding strand, the complement: NUP133 is on the minus strand). VCF-style: chr1-229464809-G-C. GRCh37 (hg19) VCF-style: chr1-229600556-G-C.
Other names: short protein forms A789G.
Identifiers: ClinVar variation 1899230 (VCV001899230.5), dbSNP rs369761150, ClinGen allele CA38790032.
Genomic context (GRCh38, chr1:229,464,809, plus strand): 5'-ATCAGGGCTACCAGCTGCTCGGTCACGATGTTTCGGAGGTTGCTGTCTGCCTGTGGATAA[G>C]CCACCTTCAGGACAATCTCATGCTGGCGTATTATTACCGTTCGGATGCCACCAGGACCAC-3'
Protein context (NP_060700.2, residues 779-799): IRQHEIVLKV[Ala789Gly]YPQADSNLRN

ClinVar aggregate classification (germline): Uncertain significance (1 of 4 stars; one submission).

Submission:

Labcorp Genetics (formerly Invitae), Labcorp
Classification: Uncertain significance. Last evaluated: 2022-09-10. Review status: criteria provided, single submitter. Criteria: Invitae Variant Classification Sherloc (09022015). Collection method: clinical testing. Allele origin: germline.
Comment: In summary, the available evidence is currently insufficient to determine the role of this variant in disease. Therefore, it has been classified as a Variant of Uncertain Significance. Algorithms developed to predict the effect of missense changes on protein structure and function (SIFT, PolyPhen-2, Align-GVGD) all suggest that this variant is likely to be tolerated. This variant has not been reported in the literature in individuals affected with NUP133-related conditions. This variant is not present in population databases (gnomAD no frequency). This sequence change replaces alanine, which is neutral and non-polar, with glycine, which is neutral and non-polar, at codon 789 of the NUP133 protein (p.Ala789Gly).